The following is an entry in ClinVar:

ClinVar aggregate classification (germline): Uncertain significance (1 of 4 stars; one submission).

Conditions:
Nephronophthisis 14 (NPHP14). Identifiers: Orphanet 2318, MedGen C3539071, MONDO:0013916, OMIM 614844.

Allele frequency attached by ClinVar (database versions not stated): gnomAD exomes below 0.00001.
gnomAD v4.1: 3 of 1,613,276 alleles (0.00019%); highest among the groups gnomAD compares: Middle Eastern, 0.016%; no homozygotes.

Submission:

Labcorp Genetics (formerly Invitae), Labcorp
Classification: Uncertain significance for Nephronophthisis 14. Last evaluated: 2023-08-04. Review status: criteria provided, single submitter. Criteria: Invitae Variant Classification Sherloc (09022015). Collection method: clinical testing. Allele origin: germline.
Comment: This sequence change replaces proline, which is neutral and non-polar, with leucine, which is neutral and non-polar, at codon 348 of the ZNF423 protein (p.Pro348Leu). This variant is present in population databases (no rsID available, gnomAD 0.0009%). This variant has not been reported in the literature in individuals affected with ZNF423-related conditions. ClinVar contains an entry for this variant (Variation ID: 1352981). Advanced modeling of protein sequence and biophysical properties (such as structural, functional, and spatial information, amino acid conservation, physicochemical variation, residue mobility, and thermodynamic stability) performed at Invitae indicates that this missense variant is not expected to disrupt ZNF423 protein function. In summary, the available evidence is currently insufficient to determine the role of this variant in disease. Therefore, it has been classified as a Variant of Uncertain Significance.

NM_001379286.1(ZNF423):c.1067C>T (p.Pro356Leu)

Gene: ZNF423 (zinc finger protein 423; minus strand). Cytogenetic location: 16q12.1.
Variant type: single nucleotide variant.
Coding change: c.1067C>T on transcript NM_001379286.1 (MANE Select); coding-DNA position 1067, C replaced by T.
Protein change: p.Pro356Leu; replaces proline 356 with leucine.
Molecular consequence: missense variant.
Genome position (GRCh38, 1-based): chr16:49,638,109, G>A on the plus strand (C>T on the coding strand, the complement: ZNF423 is on the minus strand). VCF-style: chr16-49638109-G-A. GRCh37 (hg19) VCF-style: chr16-49672020-G-A.
Other names: c.863C>T, p.Pro288Leu (NM_001271620.2); c.692C>T, p.Pro231Leu (NM_001330533.2); c.1043C>T, p.Pro348Leu (NM_015069.5); short protein forms P231L, P348L, P356L, P288L.
Identifiers: ClinVar variation 1352981 (VCV001352981.6), dbSNP rs1406577455, ClinGen allele CA395850408.
Genomic context (GRCh38, chr16:49,638,109, plus strand): 5'-CTCATGGAGGCCACGCTGCCCAGTACAGGGTCGGGACTGACACTGTGGTTGCTGGAGTCG[G>A]GCTGCCGGTGGCTGTCCAGGTGGCAGTAGACACCTTCCACTGAGGAGAACTGCTCAGGGC-3'
Protein context (NP_001366215.1, residues 346-366): VYCHLDSHRQ[Pro356Leu]DSSNHSVSPD